The following is an entry in ClinVar:

NM_000195.5(HPS1):c.*272C>T

Gene: HPS1 (HPS1 biogenesis of lysosomal organelles complex 3 subunit 1; minus strand). Cytogenetic location: 10q24.2.
Variant type: single nucleotide variant.
Coding change: c.*272C>T on transcript NM_000195.5 (MANE Select); 272 bases downstream of the stop codon, C replaced by T.
Molecular consequence: 3 prime UTR variant.
Genome position (GRCh38, 1-based): chr10:98,417,292, G>A on the plus strand (C>T on the coding strand, the complement: HPS1 is on the minus strand). VCF-style: chr10-98417292-G-A. GRCh37 (hg19) VCF-style: chr10-100177049-G-A.
Other names: c.*272C>T (NM_001311345.2, NM_001322476.2, NM_001322477.2 and 10 more transcripts).
Identifiers: ClinVar variation 298333 (VCV000298333.9), dbSNP rs1061115, ClinGen allele CA10633049.

ClinVar aggregate classification (germline): Benign. Review status: criteria provided, multiple submitters, no conflicts (2 of 4 stars). 3 submissions from 3 submitters: Benign (3). Last evaluated 2018-11-27.

Conditions:
Hermansky-Pudlak syndrome 1 (HPS1). Also called: DELTA STORAGE POOL DISEASE. Identifiers: Orphanet 231500, Orphanet 79430, MedGen C2931875, MONDO:0008748, OMIM 203300.

Allele frequency attached by ClinVar (database versions not stated): gnomAD exomes 0.35975; gnomAD 0.43400 and 0.43644; TOPMed 0.45070; 1000 Genomes Project 30x 0.52139; 1000 Genomes Project 0.52636.

Submissions (3):

GeneDx
Classification: Benign. Last evaluated: 2018-11-27. Review status: criteria provided, single submitter. Criteria: GeneDx Variant Classification Process June 2021. Collection method: clinical testing. Allele origin: germline. Affected: yes.

Illumina Laboratory Services, Illumina
Classification: Benign for Hermansky-Pudlak syndrome 1. Last evaluated: 2018-01-12. Review status: criteria provided, single submitter. Criteria: ICSL Variant Classification Criteria 13 December 2019. Collection method: clinical testing. Allele origin: germline.
Comment: This variant was observed in the ICSL laboratory as part of a predisposition screen in an ostensibly healthy population. It had not been previously curated by ICSL or reported in the Human Gene Mutation Database (HGMD: prior to June 1st, 2018), and was therefore a candidate for classification through an automated scoring system. Utilizing variant allele frequency, disease prevalence and penetrance estimates, and inheritance mode, an automated score was calculated to assess if this variant is too frequent to cause the disease. Based on the score and internal cut-off values, a variant classified as benign is not then subjected to further curation. The score for this variant resulted in a classification of benign for this disease.

Breakthrough Genomics
Classification: Benign. Review status: criteria provided, single submitter. Criteria: ACMG Guidelines, 2015. Collection method: not provided. Allele origin: germline. Inheritance: Autosomal recessive inheritance. Affected: yes.